The following is an entry in ClinVar:

NM_003072.5(SMARCA4):c.4912-3C>T

Gene: SMARCA4 (SWI/SNF related BAF chromatin remodeling complex subunit ATPase 4; plus strand). Cytogenetic location: 19p13.2.
Variant type: single nucleotide variant.
Coding change: c.4912-3C>T on transcript NM_003072.5 (MANE Select); 3 bases into the intron before coding-DNA position 4912, C replaced by T.
Molecular consequence: intron variant.
Genome position (GRCh38, 1-based): chr19:11,061,781, C>T. VCF-style: chr19-11061781-C-T. GRCh37 (hg19) VCF-style: chr19-11172457-C-T.
Other names: c.4813-3C>T (NM_001128847.4, NM_001374457.1); c.5008-3C>T (NM_001387283.1, NM_001128849.3); c.4909-3C>T (NM_001411150.1); c.4822-3C>T (NM_001128845.2); c.4819-3C>T (NM_001128846.2); c.4810-3C>T (NM_001128848.2); c.4912-3C>T (NM_001128844.3).
Identifiers: ClinVar variation 3320749 (VCV003320749.1).

ClinVar aggregate classification (germline): Uncertain significance (1 of 4 stars; one submission).

Conditions:
Hereditary cancer-predisposing syndrome. Also called: Neoplastic Syndromes, Hereditary; Tumor predisposition; Hereditary neoplastic syndrome; Hereditary Cancer Syndrome. Identifiers: Orphanet 140162, MedGen C0027672, MeSH D009386, MONDO:0015356.

Submission:

Ambry Genetics
Classification: Uncertain significance for Hereditary cancer-predisposing syndrome. Last evaluated: 2024-06-07. Review status: criteria provided, single submitter. Criteria: Ambry Variant Classification Scheme 2023. Collection method: clinical testing. Allele origin: germline.
Comment: The c.5008-3C>T intronic variant results from a C to T substitution 3 nucleotides upstream from coding exon 35 in the SMARCA4 gene. This nucleotide position is well conserved in available vertebrate species. In silico splice site analysis predicts that this alteration will not have any significant effect on splicing. Based on the available evidence, the clinical significance of this variant remains unclear.